The following is an entry in ClinVar:

NM_020822.3(KCNT1):c.2011A>G (p.Thr671Ala)

Gene: KCNT1 (potassium sodium-activated channel subfamily T member 1; plus strand). Cytogenetic location: 9q34.3.
Variant type: single nucleotide variant.
Coding change: c.2011A>G on transcript NM_020822.3 (MANE Select); coding-DNA position 2011, A replaced by G.
Protein change: p.Thr671Ala; replaces threonine 671 with alanine.
Molecular consequence: missense variant.
Genome position (GRCh38, 1-based): chr9:135,772,717, A>G. VCF-style: chr9-135772717-A-G. GRCh37 (hg19) VCF-style: chr9-138664563-A-G.
Other names: c.1876A>G, p.Thr626Ala (NM_001272003.2); short protein forms T626A, T671A.
Identifiers: ClinVar variation 1447468 (VCV001447468.8), dbSNP rs1364315508, ClinGen allele CA375509882.
Genomic context (GRCh38, chr9:135,772,717, plus strand): 5'-CTCGCCGCCCATGGAGGGTGGGAGTCGGGCTGTGGCCAAGCACAGGGCTCTCTTCCAGGG[A>G]CAGTGGCCATGGACCTGCAGGGCACAGAGCACCGGCCTACGCAGAGCGGCGGTGGGGGCG-3'
Protein context (NP_065873.2, residues 661-681): PVHSIIASMG[Thr671Ala]VAMDLQGTEH

ClinVar aggregate classification (germline): Uncertain significance (1 of 4 stars; one submission).

Conditions:
Developmental and epileptic encephalopathy, 14 (DEE14). Also called: Early infantile epileptic encephalopathy 14. Identifiers: Orphanet 293181, MedGen C3554195, MONDO:0013989, OMIM 614959.
Autosomal dominant nocturnal frontal lobe epilepsy 5. Also called: KCNT1-Related Epilepsy; CILIARY DYSKINESIA, PRIMARY, 28, WITH SITUS INVERSUS; Epilepsy, nocturnal frontal lobe, 5; CILIARY DYSKINESIA, PRIMARY, 28, WITHOUT SITUS INVERSUS. Identifiers: Orphanet 98784, MedGen C3554306, MONDO:0014002, OMIM 615005.

Allele frequency attached by ClinVar (database versions not stated): TOPMed below 0.00001; gnomAD exomes 0.00002.
gnomAD v4.1: 25 of 1,391,934 alleles (0.0018%); highest among the groups gnomAD compares: Non-Finnish European, 0.0022%; no homozygotes.

Submission:

Labcorp Genetics (formerly Invitae), Labcorp
Classification: Uncertain significance for Autosomal dominant nocturnal frontal lobe epilepsy 5; Developmental and epileptic encephalopathy, 14. Last evaluated: 2025-07-20. Review status: criteria provided, single submitter. Criteria: Invitae Variant Classification Sherloc (09022015). Collection method: clinical testing. Allele origin: germline.
Comment: This sequence change replaces threonine, which is neutral and polar, with alanine, which is neutral and non-polar, at codon 671 of the KCNT1 protein (p.Thr671Ala). This variant is not present in population databases (gnomAD no frequency). This variant has not been reported in the literature in individuals affected with KCNT1-related conditions. ClinVar contains an entry for this variant (Variation ID: 1447468). An algorithm developed to predict the effect of missense changes on protein structure and function (PolyPhen-2) suggests that this variant is likely to be tolerated. In summary, the available evidence is currently insufficient to determine the role of this variant in disease. Therefore, it has been classified as a Variant of Uncertain Significance.